The following is an entry in ClinVar:

ClinVar aggregate classification (germline): Uncertain significance (1 of 4 stars; one submission).

Conditions:
CACNA2D3-related disorder. Also called: CACNA2D3-related condition.

Submission:

PreventionGenetics, part of Exact Sciences
Classification: Uncertain significance for CACNA2D3-related condition. Last evaluated: 2025-08-21. Review status: criteria provided, single submitter. Criteria: ACMG Guidelines, 2015. Collection method: clinical testing. Allele origin: germline.
Comment: The CACNA2D3 c.2988-2dupA variant is predicted to result in an intronic duplication. To our knowledge, this variant has not been reported in the literature or in a large population database (gnomAD), indicating this variant is rare. Although we suspect that this variant may be pathogenic, at this time, the clinical significance of this variant is uncertain due to the absence of conclusive functional and genetic evidence.

NM_018398.3(CACNA2D3):c.2988-2dup

Gene: CACNA2D3 (calcium voltage-gated channel auxiliary subunit alpha2delta 3; plus strand). Cytogenetic location: 3p14.3.
Variant type: Duplication.
Coding change: c.2988-2dup on transcript NM_018398.3 (MANE Select); the canonical splice acceptor site of the intron before coding-DNA position 2988, one base duplicated (A; older notation c.2988-2dupA).
Molecular consequence: splice acceptor variant.
Genome position (GRCh38, 1-based): chr3:55,073,443, A duplicated. VCF-style (leftmost placement, unchanged base first): chr3-55073442-C-CA. GRCh37 (hg19) VCF-style: chr3-55107469-C-CA.
Identifiers: ClinVar variation 4998119 (VCV004998119.1).
Genomic context (GRCh38, chr3:55,073,442, plus strand): 5'-TTCCTCATGGCTCTTTAATTGACGGATGGTAAATGACTGCCTCGCTACCTCTTGTTCCAA[C>CA]AGGTCCTTTGTCATCCAGCAAATCCCAAGCAGCAACCTGTTCATGGTGGTGGTGGACAGC-3'